The following is an entry in ClinVar:

NM_000170.3(GLDC):c.1340A>T (p.Lys447Met)

Gene: GLDC (glycine decarboxylase; minus strand). Cytogenetic location: 9p24.1.
Variant type: single nucleotide variant.
Coding change: c.1340A>T on transcript NM_000170.3 (MANE Select); coding-DNA position 1340, A replaced by T.
Protein change: p.Lys447Met; replaces lysine 447 with methionine.
Molecular consequence: missense variant.
Genome position (GRCh38, 1-based): chr9:6,592,912, T>A on the plus strand (A>T on the coding strand, the complement: GLDC is on the minus strand). VCF-style: chr9-6592912-T-A. GRCh37 (hg19) VCF-style: chr9-6592912-T-A.
Other names: c.1340A>T (NM_000170.2); short protein forms K447M.
Identifiers: ClinVar variation 1441038 (VCV001441038.12), dbSNP rs1161073883, ClinGen allele CA372894016.
Genomic context (GRCh38, chr9:6,592,912, plus strand): 5'-GTGCCATCCTCAAAAAGCCGAAAATTGATCTGCCGCTGAGCGGCCCTGCCCAAGACCTCC[T>A]TCACTGAGCAGCCACACTGAATCTTCAAGGTATCAAAGAACAGGTCATGCTGGAGTTGAT-3'
Protein context (NP_000161.2, residues 437-457): TLKIQCGCSV[Lys447Met]EVLGRAAQRQ

ClinVar aggregate classification (germline): Uncertain significance. Review status: criteria provided, multiple submitters, no conflicts (2 of 4 stars). 2 submissions from 2 submitters: Uncertain significance (2). Last evaluated 2026-01-27.

Conditions:
Glycine encephalopathy. Also called: Nonketotic hyperglycinemia; Non-ketotic hyperglycinemia. Identifiers: Orphanet 407, MedGen C0751748, MONDO:0011612, HP:0008288.

Allele frequency attached by ClinVar (database versions not stated): gnomAD exomes below 0.00001.
gnomAD v4.1: 1 of 1,614,012 alleles (0.000062%); highest among the groups gnomAD compares: Admixed American, 0.0017%; no homozygotes.

Submissions (2):

GeneDx
Classification: Uncertain significance. Last evaluated: 2026-01-27. Review status: criteria provided, single submitter. Criteria: GeneDx Variant Classification Process June 2021. Collection method: clinical testing. Allele origin: germline.
Comment: Not observed at significant frequency in large population cohorts (gnomAD); In silico analysis supports that this missense variant does not alter protein structure/function; Has not been previously published as pathogenic or benign to our knowledge

Labcorp Genetics (formerly Invitae), Labcorp
Classification: Uncertain significance for Glycine encephalopathy. Last evaluated: 2024-10-24. Review status: criteria provided, single submitter. Criteria: Invitae Variant Classification Sherloc (09022015). Collection method: clinical testing. Allele origin: germline.
Comment: This sequence change replaces lysine, which is basic and polar, with methionine, which is neutral and non-polar, at codon 447 of the GLDC protein (p.Lys447Met). This variant is present in population databases (no rsID available, gnomAD 0.003%). This variant has not been reported in the literature in individuals affected with GLDC-related conditions. ClinVar contains an entry for this variant (Variation ID: 1441038). Invitae Evidence Modeling of protein sequence and biophysical properties (such as structural, functional, and spatial information, amino acid conservation, physicochemical variation, residue mobility, and thermodynamic stability) indicates that this missense variant is not expected to disrupt GLDC protein function with a negative predictive value of 80%. In summary, the available evidence is currently insufficient to determine the role of this variant in disease. Therefore, it has been classified as a Variant of Uncertain Significance.